The following is an entry in ClinVar:

NM_000030.3(AGXT):c.402C>G (p.Tyr134Ter)

Gene: AGXT (alanine--glyoxylate aminotransferase; plus strand). Cytogenetic location: 2q37.3.
Variant type: single nucleotide variant.
Coding change: c.402C>G on transcript NM_000030.3 (MANE Select); coding-DNA position 402, C replaced by G.
Protein change: p.Tyr134Ter; replaces tyrosine 134 with a stop codon.
Molecular consequence: nonsense.
Genome position (GRCh38, 1-based): chr2:240,870,687, C>G. VCF-style: chr2-240870687-C-G. GRCh37 (hg19) VCF-style: chr2-241810104-C-G.
Other names: short protein forms Y134*.
Identifiers: ClinVar variation 2664123 (VCV002664123.1), dbSNP rs2528742947, ClinGen allele CA351314564.
Genomic context (GRCh38, chr2:240,870,687, plus strand): 5'-CTCTGTCCTGCACCCAGGAGCCCGAGTGCACCCGATGACCAAGGACCCTGGAGGCCACTA[C>G]ACACTGCAGGAGGTGGAGGAGGTAGGGGACCCGGGGTGGGGGTCAGGGCCGGGAGGAGGT-3'

ClinVar aggregate classification (germline): Pathogenic (1 of 4 stars; one submission).

Conditions:
Primary hyperoxaluria, type I (HP1). Also called: OXALOSIS I; Primary hyperoxaluria type 1; GLYCOLIC ACIDURIA; HEPATIC AGT DEFICIENCY. Identifiers: Orphanet 416, Orphanet 93598, MedGen C0268164, MONDO:0009823, OMIM 259900. Disease mechanism: loss of function.

Submission:

Rare Kidney Stone Consortium and the Mayo Clinic Hyperoxaluria Center, Mayo Clinic
Classification: Pathogenic for Primary hyperoxaluria, type I. Last evaluated: 2023-10-27. Review status: criteria provided, single submitter. Criteria: ACMG Guidelines, 2015. Collection method: clinical testing. Allele origin: germline. Affected: yes.
Comment: ACMG:PVS1 PM2 PP3

Literature cited by the submitters: PubMed 25644115.